The following is an entry in ClinVar:

ClinVar aggregate classification (germline): Pathogenic (1 of 4 stars; one submission).

Conditions:
Fanconi anemia (FA). Also called: Fanconi's anemia. Identifiers: Orphanet 84, MedGen C0015625, MeSH D005199, MONDO:0019391.

Submission:

Labcorp Genetics (formerly Invitae), Labcorp
Classification: Pathogenic for Fanconi anemia. Last evaluated: 2024-11-18. Review status: criteria provided, single submitter. Criteria: Invitae Variant Classification Sherloc (09022015). Collection method: clinical testing. Allele origin: germline.
Comment: This sequence change creates a premature translational stop signal (p.Gln722*) in the FANCD2 gene. It is expected to result in an absent or disrupted protein product. Loss-of-function variants in FANCD2 are known to be pathogenic (PMID: 17436244). This variant is not present in population databases (gnomAD no frequency). This variant has not been reported in the literature in individuals affected with FANCD2-related conditions. ClinVar contains an entry for this variant (Variation ID: 2764888). For these reasons, this variant has been classified as Pathogenic.

Literature cited by the submitters: PubMed 17436244.

NM_001018115.3(FANCD2):c.2164C>T (p.Gln722Ter)

Genes: FANCD2 (FA complementation group D2; plus strand), LOC107303338 (3p25 FANCD2 Alu-mediated recombination region; plus strand). Cytogenetic location: 3p25.3.
Variant type: single nucleotide variant.
Coding change: c.2164C>T on transcript NM_001018115.3 (MANE Select); coding-DNA position 2164, C replaced by T.
Protein change: p.Gln722Ter; replaces glutamine 722 with a stop codon.
Molecular consequence: nonsense.
Genome position (GRCh38, 1-based): chr3:10,064,871, C>T. VCF-style: chr3-10064871-C-T. GRCh37 (hg19) VCF-style: chr3-10106555-C-T.
Other names: c.2164C>T, p.Gln722Ter (NM_001319984.2, NM_001374254.1, NM_033084.6); c.2053C>T, p.Gln685Ter (NM_001374253.1); short protein forms Q722*, Q685*.
Identifiers: ClinVar variation 2764888 (VCV002764888.3), dbSNP rs2469968856, ClinGen allele CA351733995.